The following is an entry in ClinVar:

NM_001037.5(SCN1B):c.646G>A (p.Val216Met)

Gene: SCN1B (sodium voltage-gated channel beta subunit 1; plus strand). Cytogenetic location: 19q13.11.
Variant type: single nucleotide variant.
Coding change: c.646G>A on transcript NM_001037.5 (MANE Select); coding-DNA position 646, G replaced by A.
Protein change: p.Val216Met; replaces valine 216 with methionine.
Molecular consequence: missense variant.
Genome position (GRCh38, 1-based): chr19:35,039,690, G>A. VCF-style: chr19-35039690-G-A. GRCh37 (hg19) VCF-style: chr19-35530594-G-A.
Other names: c.547G>A, p.Val183Met (NM_001321605.2); short protein forms V216M, V183M.
Identifiers: ClinVar variation 2625080 (VCV002625080.2), dbSNP rs2514242236, ClinGen allele CA405330330.
Genomic context (GRCh38, chr19:35,039,690, plus strand): 5'-CACAGCTCGGAATACCTGGCCATCACCTCTGAAAGCAAAGAGAACTGCACGGGCGTCCAG[G>A]TGGCCGAATAGCCCTGGTAAGGCGGATGGGCTGGCAGAGGGGAAGGGGATTGGGAGGGGC-3'
Protein context (NP_001028.1, residues 206-218): ESKENCTGVQ[Val216Met]AE

ClinVar aggregate classification (germline): Uncertain significance (1 of 4 stars; one submission).

Conditions:
Cardiovascular phenotype. Identifiers: MedGen CN230736.

Submission:

Ambry Genetics
Classification: Uncertain significance for Cardiovascular phenotype. Last evaluated: 2023-07-27. Review status: criteria provided, single submitter. Criteria: Ambry Variant Classification Scheme 2023. Collection method: clinical testing. Allele origin: germline.
Comment: The p.V216M variant (also known as c.646G>A), located in coding exon 5 of the SCN1B gene, results from a G to A substitution at nucleotide position 646. The valine at codon 216 is replaced by methionine, an amino acid with highly similar properties. This amino acid position is conserved. In addition, this alteration is predicted to be deleterious by in silico analysis. Since supporting evidence is limited at this time, the clinical significance of this alteration remains unclear.